The following is an entry in ClinVar:

ClinVar aggregate classification (germline): Uncertain significance. Review status: criteria provided, multiple submitters, no conflicts (2 of 4 stars). 3 submissions from 3 submitters: Uncertain significance (3). Last evaluated 2026-08-25.

Conditions:
Inborn genetic diseases. Identifiers: MedGen C0950123, MeSH D030342.
ANKRD26-related disorder. Also called: ANKRD26-related condition.

gnomAD v4.1: 5 of 1,614,102 alleles (0.00031%); highest among the groups gnomAD compares: Admixed American, 0.0083%; no homozygotes.

Submissions (3):

PreventionGenetics, part of Exact Sciences
Classification: Uncertain significance for ANKRD26-related condition. Last evaluated: 2026-08-25. Review status: criteria provided, single submitter. Criteria: ACMG Guidelines, 2015. Collection method: clinical testing. Allele origin: germline.
Comment: The ANKRD26 c.1948G>A variant is predicted to result in the amino acid substitution p.Asp650Asn. To our knowledge, this variant has not been reported in the literature. This variant is reported in 0.012% of alleles in individuals of Latino descent in gnomAD. At this time, the clinical significance of this variant is uncertain due to the absence of conclusive functional and genetic evidence.

Ambry Genetics
Classification: Uncertain significance for Inborn genetic diseases. Last evaluated: 2025-09-04. Review status: criteria provided, single submitter. Criteria: Ambry Variant Classification Scheme 2023. Collection method: clinical testing. Allele origin: germline.

GeneDx
Classification: Uncertain significance. Last evaluated: 2025-03-19. Review status: criteria provided, single submitter. Criteria: GeneDx Variant Classification Process June 2021. Collection method: clinical testing. Allele origin: germline. Affected: yes.
Comment: Not observed at significant frequency in large population cohorts (gnomAD); In silico analysis supports that this missense variant has a deleterious effect on protein structure/function; Has not been previously published as pathogenic or benign to our knowledge

NM_014915.3(ANKRD26):c.1948G>A (p.Asp650Asn)

Gene: ANKRD26 (ankyrin repeat domain 26; minus strand). Cytogenetic location: 10p12.1.
Variant type: single nucleotide variant.
Coding change: c.1948G>A on transcript NM_014915.3 (MANE Select); coding-DNA position 1948, G replaced by A.
Protein change: p.Asp650Asn; replaces aspartic acid 650 with asparagine.
Molecular consequence: missense variant.
Genome position (GRCh38, 1-based): chr10:27,046,390, C>T on the plus strand (G>A on the coding strand, the complement: ANKRD26 is on the minus strand). VCF-style: chr10-27046390-C-T. GRCh37 (hg19) VCF-style: chr10-27335319-C-T.
Other names: c.1945G>A, p.Asp649Asn (NM_001256053.2); short protein forms D649N, D650N.
Identifiers: ClinVar variation 3870691 (VCV003870691.4).